The following is an entry in ClinVar:

ClinVar aggregate classification (germline): Uncertain significance (1 of 4 stars; one submission).

Submission:

Women's Health and Genetics/Laboratory Corporation of America, LabCorp
Classification: Uncertain significance. Last evaluated: 2023-11-28. Review status: criteria provided, single submitter. Criteria: LabCorp Variant Classification Summary - May 2015. Collection method: clinical testing. Allele origin: germline.
Comment: Variant summary: The variant involves the duplication of exons 1-6 in the RAB7A gene. A presumed nomenclature of c.(?_-186)_(*1377_?)dup has been designated for the purposes of this classification. This duplication includes the entire coding sequence of the gene. As exact breakpoints are unknown, it may extend beyond the annotated region of the gene, to include other flanking genes. A similar large duplication variant was found at a frequency of 8e-06 in 125182 control chromosomes in the gnomAD Structural Variants dataset The available data on variant occurrences in the general population are insufficient to allow any conclusion about variant significance. To our knowledge, no occurrence of c.(?_-186)_(*1377_?)dup in individuals affected with Charcot-Marie Disease Type 2B and no experimental evidence demonstrating its impact on protein function have been reported. One submitter has cited clinical-significance assessments for this variant to ClinVar after 2014 and has classified the variant as uncertain significance. Based on the evidence outlined above, the variant was classified as uncertain significance

NC_000003.11:g.(?_128445025)_(128533642_?)dup

Gene: RAB7A (RAB7A, member RAS oncogene family; plus strand). Cytogenetic location: 3q21.3.
Variant type: Duplication.
Identifiers: ClinVar variation 2682287 (VCV002682287.1).